The following is an entry in ClinVar:

ClinVar aggregate classification (germline): Uncertain significance (1 of 4 stars; one submission).

Allele frequency attached by ClinVar (database versions not stated): gnomAD exomes 0.00004 and 0.00001; ExAC 0.00005; ESP Exome Variant Server 0.00008; TOPMed 0.00002; gnomAD 0.00003 and 0.00004.

Submission:

Labcorp Genetics (formerly Invitae), Labcorp
Classification: Uncertain significance. Last evaluated: 2024-05-07. Review status: criteria provided, single submitter. Criteria: Invitae Variant Classification Sherloc (09022015). Collection method: clinical testing. Allele origin: germline.
Comment: This sequence change affects a splice site in intron 3 of the KLF11 gene. It is expected to disrupt RNA splicing. Variants that disrupt the donor or acceptor splice site typically lead to a loss of protein function (PMID: 16199547), however the current clinical and genetic evidence is not sufficient to establish whether loss-of-function variants in KLF11 cause disease. This variant is present in population databases (rs770555623, gnomAD 0.08%). This variant has not been reported in the literature in individuals affected with KLF11-related conditions. ClinVar contains an entry for this variant (Variation ID: 631821). Algorithms developed to predict the effect of sequence changes on RNA splicing suggest that this variant may disrupt the consensus splice site. In summary, the available evidence is currently insufficient to determine the role of this variant in disease. Therefore, it has been classified as a Variant of Uncertain Significance.

Literature cited by the submitters: PubMed 16199547.

NM_003597.5(KLF11):c.1259-2_1259-1del

Gene: KLF11 (KLF transcription factor 11; plus strand). Cytogenetic location: 2p25.1.
Variant type: Deletion.
Coding change: c.1259-2_1259-1del on transcript NM_003597.5 (MANE Select); the canonical splice acceptor site of the intron before coding-DNA position 1259, 2 bases deleted (AG; older notation c.1259-2_1259-1delAG).
Molecular consequence: splice acceptor variant.
Genome position (GRCh38, 1-based): chr2:10,052,225-10,052,226, AG deleted. VCF-style (leftmost placement, unchanged base first): chr2-10052224-CAG-C. GRCh37 (hg19) VCF-style: chr2-10192351-CAG-C.
Other names: c.1208-2_1208-1del (NM_001177716.2, NM_001177718.2).
Identifiers: ClinVar variation 631821 (VCV000631821.8), dbSNP rs770555623, ClinGen allele CA1525744.
Genomic context (GRCh38, chr2:10,052,224, plus strand): 5'-AACCCCTTGAATAAGGTGCTTAGCGTTTCCTTTCTCTTTAATATGTATTTTCTCACCTCA[CAG>C]GGGAGAAGCCTTTCAACTGCAGCTGGGATGGCTGTGATAAAAAGTTTGCTCGTTCGGATG-3'